The following is an entry in ClinVar:

ClinVar aggregate classification (germline): Uncertain significance. Review status: criteria provided, multiple submitters, no conflicts (2 of 4 stars). 4 submissions from 4 submitters: Uncertain significance (4). Last evaluated 2025-12-22.

Conditions:
Inborn genetic diseases. Identifiers: MedGen C0950123, MeSH D030342.

Allele frequency attached by ClinVar (database versions not stated): gnomAD 0.00001; gnomAD exomes 0.00001; TOPMed 0.00001.

Submissions (4):

Ambry Genetics
Classification: Uncertain significance for Inborn genetic diseases. Last evaluated: 2025-12-22. Review status: criteria provided, single submitter. Criteria: Ambry Variant Classification Scheme 2023. Collection method: clinical testing. Allele origin: germline.

Labcorp Genetics (formerly Invitae), Labcorp
Classification: Uncertain significance. Last evaluated: 2025-08-23. Review status: criteria provided, single submitter. Criteria: Invitae Variant Classification Sherloc (09022015). Collection method: clinical testing. Allele origin: germline.
Comment: This sequence change replaces phenylalanine, which is neutral and non-polar, with serine, which is neutral and polar, at codon 568 of the WFS1 protein (p.Phe568Ser). This variant is present in population databases (rs760693008, gnomAD 0.007%). This variant has not been reported in the literature in individuals affected with WFS1-related conditions. ClinVar contains an entry for this variant (Variation ID: 2080395). Invitae Evidence Modeling of protein sequence and biophysical properties (such as structural, functional, and spatial information, amino acid conservation, physicochemical variation, residue mobility, and thermodynamic stability) has been performed for this missense variant. However, the output from this modeling did not meet the statistical confidence thresholds required to predict the impact of this variant on WFS1 protein function. In summary, the available evidence is currently insufficient to determine the role of this variant in disease. Therefore, it has been classified as a Variant of Uncertain Significance.

GeneDx
Classification: Uncertain significance. Last evaluated: 2024-06-25. Review status: criteria provided, single submitter. Criteria: GeneDx Variant Classification Process June 2021. Collection method: clinical testing. Allele origin: germline. Affected: yes.
Comment: Not observed at significant frequency in large population cohorts (gnomAD); In silico analysis supports that this missense variant has a deleterious effect on protein structure/function; Has not been previously published as pathogenic or benign to our knowledge

Blueprint Genetics
Classification: Uncertain significance. Last evaluated: 2021-08-26. Review status: criteria provided, single submitter. Criteria: ACMG Guidelines, 2015. Collection method: clinical testing. Allele origin: germline.

NM_006005.3(WFS1):c.1703T>C (p.Phe568Ser)

Gene: WFS1 (wolframin ER transmembrane glycoprotein; plus strand). Cytogenetic location: 4p16.1.
Variant type: single nucleotide variant.
Coding change: c.1703T>C on transcript NM_006005.3 (MANE Select); coding-DNA position 1703, T replaced by C.
Protein change: p.Phe568Ser; replaces phenylalanine 568 with serine.
Molecular consequence: missense variant.
Genome position (GRCh38, 1-based): chr4:6,301,498, T>C. VCF-style: chr4-6301498-T-C. GRCh37 (hg19) VCF-style: chr4-6303225-T-C.
Other names: c.1703T>C, p.Phe568Ser (NM_001145853.1); short protein forms F568S.
Identifiers: ClinVar variation 2080395 (VCV002080395.7), dbSNP rs760693008, ClinGen allele CA91796476.
Genomic context (GRCh38, chr4:6,301,498, plus strand): 5'-TGCTGGAGTCCACCGGCCTGGGGCTGCTCCGCGCCTCCATCGGCTACTTCCTCTTCCTCT[T>C]TGCCCTCCCCATCCTGGTGGCCGGCCTGGCCCTGGTGGGCGTGCTGCAGTTCGCCCGGTG-3'
Protein context (NP_005996.2, residues 558-578): RASIGYFLFL[Phe568Ser]ALPILVAGLA